The following is an entry in ClinVar:

ClinVar aggregate classification (germline): Uncertain significance (1 of 4 stars; one submission).

Allele frequency attached by ClinVar (database versions not stated): ExAC 0.00002; gnomAD 0.00003; TOPMed 0.00003; gnomAD exomes 0.00005.
gnomAD v4.1: 77 of 1,613,966 alleles (0.0048%); highest among the groups gnomAD compares: Non-Finnish European, 0.0058%; 1 homozygote.

Submission:

Labcorp Genetics (formerly Invitae), Labcorp
Classification: Uncertain significance. Last evaluated: 2025-02-09. Review status: criteria provided, single submitter. Criteria: Invitae Variant Classification Sherloc (09022015). Collection method: clinical testing. Allele origin: germline.
Comment: This sequence change replaces glycine, which is neutral and non-polar, with arginine, which is basic and polar, at codon 111 of the CLCN6 protein (p.Gly111Arg). This variant is present in population databases (rs62621185, gnomAD 0.006%). This variant has not been reported in the literature in individuals affected with CLCN6-related conditions. ClinVar contains an entry for this variant (Variation ID: 1495961). An algorithm developed to predict the effect of missense changes on protein structure and function outputs the following: PolyPhen-2: "Benign". The arginine amino acid residue is found in multiple mammalian species, which suggests that this missense change does not adversely affect protein function. Algorithms developed to predict the effect of sequence changes on RNA splicing suggest that this variant may disrupt the consensus splice site. In summary, the available evidence is currently insufficient to determine the role of this variant in disease. Therefore, it has been classified as a Variant of Uncertain Significance.

NM_001286.5(CLCN6):c.331G>A (p.Gly111Arg)

Gene: CLCN6 (chloride voltage-gated channel 6; plus strand). Cytogenetic location: 1p36.22.
Variant type: single nucleotide variant.
Coding change: c.331G>A on transcript NM_001286.5 (MANE Select); coding-DNA position 331, G replaced by A.
Protein change: p.Gly111Arg; replaces glycine 111 with arginine.
Molecular consequence: missense variant. On other transcripts: non-coding transcript variant (1).
Genome position (GRCh38, 1-based): chr1:11,819,539, G>A. VCF-style: chr1-11819539-G-A. GRCh37 (hg19) VCF-style: chr1-11879596-G-A.
Other names: c.265G>A, p.Gly89Arg (NM_001256959.2); short protein forms G111R, G89R.
Identifiers: ClinVar variation 1495961 (VCV001495961.6), dbSNP rs62621185, ClinGen allele CA596004.